The following is an entry in ClinVar:

NM_007190.4(SEC23IP):c.1519G>T (p.Gly507Cys)

Gene: SEC23IP (SEC23 interacting protein; plus strand). Cytogenetic location: 10q26.12.
Variant type: single nucleotide variant.
Coding change: c.1519G>T on transcript NM_007190.4 (MANE Select); coding-DNA position 1519, G replaced by T.
Protein change: p.Gly507Cys; replaces glycine 507 with cysteine.
Molecular consequence: missense variant. On other transcripts: non-coding transcript variant (1).
Genome position (GRCh38, 1-based): chr10:119,915,864, G>T. VCF-style: chr10-119915864-G-T. GRCh37 (hg19) VCF-style: chr10-121675376-G-T.
Other names: c.1519G>T, p.Gly507Cys (NM_001411070.1); short protein forms G507C.
Identifiers: ClinVar variation 3052952 (VCV003052952.2), dbSNP rs147738230, ClinGen allele CA5718580.

ClinVar aggregate classification (germline): Likely benign (0 of 4 stars; one submission).

Conditions:
SEC23IP-related disorder. Also called: SEC23IP-related condition.

Allele frequency attached by ClinVar (database versions not stated): gnomAD exomes 0.00006; 1000 Genomes Project 30x 0.00016; ExAC 0.00016; 1000 Genomes Project 0.00020; gnomAD 0.00069; ESP Exome Variant Server 0.00092.
gnomAD v4.1: 197 of 1,582,520 alleles (0.012%); highest among the groups gnomAD compares: African/African-American, 0.24%; no homozygotes.

Submission:

PreventionGenetics, part of Exact Sciences
Classification: Likely benign for SEC23IP-related condition. Last evaluated: 2022-04-01. Review status: no assertion criteria provided. Collection method: clinical testing. Allele origin: germline.
Comment: This variant is classified as likely benign based on ACMG/AMP sequence variant interpretation guidelines (Richards et al. 2015 PMID: 25741868, with internal and published modifications).